The following is an entry in ClinVar:

NM_000038.6(APC):c.1924G>A (p.Val642Met)

Gene: APC (APC regulator of Wnt signaling pathway; plus strand). Cytogenetic location: 5q22.2.
Variant type: single nucleotide variant.
Coding change: c.1924G>A on transcript NM_000038.6 (MANE Select); coding-DNA position 1924, G replaced by A.
Protein change: p.Val642Met; replaces valine 642 with methionine.
Molecular consequence: missense variant.
Genome position (GRCh38, 1-based): chr5:112,835,131, G>A. VCF-style: chr5-112835131-G-A. GRCh37 (hg19) VCF-style: chr5-112170828-G-A.
Other names: c.1747G>A, p.Val583Met (NM_001354901.2); c.1651G>A, p.Val551Met (NM_001354902.2); c.1621G>A, p.Val541Met (NM_001354903.2); c.1546G>A, p.Val516Met (NM_001354904.2); c.1444G>A, p.Val482Met (NM_001354905.2); c.1075G>A, p.Val359Met (NM_001354906.2); c.1924G>A, p.Val642Met (NM_001127510.3, NM_001354895.2); c.1870G>A, p.Val624Met (NM_001127511.3); and 6 more; short protein forms V601M, V624M, V359M, V541M, V551M, V583M, V660M, V516M.
Identifiers: ClinVar variation 1399922 (VCV001399922.10), dbSNP rs776230690, ClinGen allele CA029894.

ClinVar aggregate classification (germline): Uncertain significance. Review status: criteria provided, multiple submitters, no conflicts (2 of 4 stars). 3 submissions from 3 submitters: Uncertain significance (3). Last evaluated 2026-07-02.

Conditions:
Hereditary cancer-predisposing syndrome. Also called: Hereditary Cancer Syndrome; Neoplastic Syndromes, Hereditary; Hereditary neoplastic syndrome; Tumor predisposition. Identifiers: Orphanet 140162, MedGen C0027672, MeSH D009386, MONDO:0015356.
Familial adenomatous polyposis 1 (FAP1). Also called: FAMILIAL ADENOMATOUS POLYPOSIS 1, ATTENUATED; POLYPOSIS, ADENOMATOUS INTESTINAL. Identifiers: MedGen C2713442, MONDO:0021056, OMIM 175100. Disease mechanism: loss of function.

Allele frequency attached by ClinVar (database versions not stated): ExAC 0.00001; gnomAD exomes below 0.00001.
gnomAD v4.1: 2 of 1,614,092 alleles (0.00012%); highest among the groups gnomAD compares: African/African-American, 0.0013%; no homozygotes.

Submissions (3):

Ambry Genetics
Classification: Uncertain significance for Hereditary cancer-predisposing syndrome. Last evaluated: 2026-07-02. Review status: criteria provided, single submitter. Criteria: Ambry Variant Classification Scheme 2023. Collection method: clinical testing. Allele origin: germline.
Comment: The p.V642M variant (also known as c.1924G>A), located in coding exon 14 of the APC gene, results from a G to A substitution at nucleotide position 1924. The valine at codon 642 is replaced by methionine, an amino acid with highly similar properties. This amino acid position is conserved. In addition, in silico predictors for this gene do not accurately predict pathogenicity. Based on the available evidence, the clinical significance of this variant remains unclear.

Labcorp Genetics (formerly Invitae), Labcorp
Classification: Uncertain significance for Familial adenomatous polyposis 1. Last evaluated: 2024-10-10. Review status: criteria provided, single submitter. Criteria: Invitae Variant Classification Sherloc (09022015). Collection method: clinical testing. Allele origin: germline.
Comment: This sequence change replaces valine, which is neutral and non-polar, with methionine, which is neutral and non-polar, at codon 642 of the APC protein (p.Val642Met). This variant is present in population databases (rs776230690, gnomAD 0.007%). This variant has not been reported in the literature in individuals affected with APC-related conditions. ClinVar contains an entry for this variant (Variation ID: 1399922). Invitae Evidence Modeling of protein sequence and biophysical properties (such as structural, functional, and spatial information, amino acid conservation, physicochemical variation, residue mobility, and thermodynamic stability) indicates that this missense variant is not expected to disrupt APC protein function with a negative predictive value of 95%. In summary, the available evidence is currently insufficient to determine the role of this variant in disease. Therefore, it has been classified as a Variant of Uncertain Significance.

St. Jude Molecular Pathology, St. Jude Children's Research Hospital
Classification: Uncertain significance for Familial adenomatous polyposis 1. Last evaluated: 2024-09-18. Review status: criteria provided, single submitter. Criteria: St. Jude Assertion Criteria 2020. Collection method: clinical testing. Allele origin: germline.
Comment: The APC c.1924G>A (p.Val642Met) missense change has a maximum subpopulation frequency of 0.006% in gnomAD v2.1.1. The in silico tool REVEL is inconclusive about a pathogenic or benign effect of this variant on protein function, and to our knowledge functional studies have not been performed. To our knowledge, this variant has not been reported in the literature in individuals with APC-related disease. In summary, the evidence currently available is insufficient to determine the clinical significance of this variant. It has therefore been classified as of uncertain significance.